The following is an entry in ClinVar:

NM_133478.3(SLC4A5):c.2468C>T (p.Pro823Leu)

Gene: SLC4A5 (solute carrier family 4 member 5; minus strand). Cytogenetic location: 2p13.1.
Variant type: single nucleotide variant.
Coding change: c.2468C>T on transcript NM_133478.3 (MANE Select); coding-DNA position 2468, C replaced by T.
Protein change: p.Pro823Leu; replaces proline 823 with leucine.
Molecular consequence: missense variant.
Genome position (GRCh38, 1-based): chr2:74,233,529, G>A on the plus strand (C>T on the coding strand, the complement: SLC4A5 is on the minus strand). VCF-style: chr2-74233529-G-A. GRCh37 (hg19) VCF-style: chr2-74460656-G-A.
Other names: c.2120C>T, p.Pro707Leu (NM_001386136.1); c.2468C>T, p.Pro823Leu (NM_021196.3); short protein forms P707L, P823L.
Identifiers: ClinVar variation 3043605 (VCV003043605.2), dbSNP rs138829527, ClinGen allele CA1720452.

ClinVar aggregate classification (germline): Likely benign (0 of 4 stars; one submission).

Conditions:
SLC4A5-related disorder. Also called: SLC4A5-related condition.

Allele frequency attached by ClinVar (database versions not stated): 1000 Genomes Project 30x 0.00234; 1000 Genomes Project 0.00260; ESP Exome Variant Server 0.00300.
gnomAD v4.1: 555 of 1,613,998 alleles (0.034%); highest among the groups gnomAD compares: African/African-American, 0.67%; 1 homozygote.

Submission:

PreventionGenetics, part of Exact Sciences
Classification: Likely benign for SLC4A5-related condition. Last evaluated: 2019-06-07. Review status: no assertion criteria provided. Collection method: clinical testing. Allele origin: germline.
Comment: This variant is classified as likely benign based on ACMG/AMP sequence variant interpretation guidelines (Richards et al. 2015 PMID: 25741868, with internal and published modifications).